The following is an entry in ClinVar:

NM_177438.3(DICER1):c.1765A>G (p.Lys589Glu)

Gene: DICER1 (dicer 1, ribonuclease III; minus strand). Cytogenetic location: 14q32.13.
Variant type: single nucleotide variant.
Coding change: c.1765A>G on transcript NM_177438.3 (MANE Select); coding-DNA position 1765, A replaced by G.
Protein change: p.Lys589Glu; replaces lysine 589 with glutamic acid.
Molecular consequence: missense variant. On other transcripts: non-coding transcript variant (6).
Genome position (GRCh38, 1-based): chr14:95,115,809, T>C on the plus strand (A>G on the coding strand, the complement: DICER1 is on the minus strand). VCF-style: chr14-95115809-T-C. GRCh37 (hg19) VCF-style: chr14-95582146-T-C.
Other names: c.1765A>G, p.Lys589Glu (NM_001195573.1, NM_001271282.3, NM_001291628.2 and 12 more transcripts); c.1483A>G, p.Lys495Glu (NM_001395686.1); c.1360A>G, p.Lys454Glu (NM_001395687.1, NM_001395688.1, NM_001395689.1 and 3 more transcripts); c.1198A>G, p.Lys400Glu (NM_001395691.1); c.82A>G, p.Lys28Glu (NM_001395697.1); short protein forms K400E, K589E, K28E, K454E, K495E.
Identifiers: ClinVar variation 4011589 (VCV004011589.1).

ClinVar aggregate classification (germline): Uncertain significance (1 of 4 stars; one submission).

Conditions:
Hereditary cancer-predisposing syndrome. Also called: Tumor predisposition; Hereditary neoplastic syndrome; Neoplastic Syndromes, Hereditary; Hereditary Cancer Syndrome. Identifiers: Orphanet 140162, MedGen C0027672, MeSH D009386, MONDO:0015356.

Submission:

Ambry Genetics
Classification: Uncertain significance for Hereditary cancer-predisposing syndrome. Last evaluated: 2025-03-17. Review status: criteria provided, single submitter. Criteria: Ambry Variant Classification Scheme 2023. Collection method: clinical testing. Allele origin: germline.
Comment: The p.K589E variant (also known as c.1765A>G), located in coding exon 10 of the DICER1 gene, results from an A to G substitution at nucleotide position 1765. The lysine at codon 589 is replaced by glutamic acid, an amino acid with similar properties. This amino acid position is conserved. In addition, the in silico prediction for this alteration is inconclusive. Based on the available evidence, the clinical significance of this variant remains unclear.